The following is an entry in ClinVar:

NM_199420.4(POLQ):c.5473T>A (p.Leu1825Met)

Gene: POLQ (DNA polymerase theta; minus strand). Cytogenetic location: 3q13.33.
Variant type: single nucleotide variant.
Coding change: c.5473T>A on transcript NM_199420.4 (MANE Select); coding-DNA position 5473, T replaced by A.
Protein change: p.Leu1825Met; replaces leucine 1825 with methionine.
Molecular consequence: missense variant.
Genome position (GRCh38, 1-based): chr3:121,487,458, A>T on the plus strand (T>A on the coding strand, the complement: POLQ is on the minus strand). VCF-style: chr3-121487458-A-T. GRCh37 (hg19) VCF-style: chr3-121206305-A-T.
Other names: short protein forms L1825M.
Identifiers: ClinVar variation 1747757 (VCV001747757.2), dbSNP rs2546784700, ClinGen allele CA354090106.
Genomic context (GRCh38, chr3:121,487,458, plus strand): 5'-GCCACTCCTTAATGAATGTTTGGAAAAGATTTTGGTCACTTGCTACATCAATTATGGACA[A>T]ACTTTCTGAACTGCTTGAGGCTGGAGTTAACTGTAATCCATCCTGTGATAACTGAAGTGA-3'
Protein context (NP_955452.3, residues 1815-1835): LTPASSSSES[Leu1825Met]SIIDVASDQN

ClinVar aggregate classification (germline): Uncertain significance (1 of 4 stars; one submission).

Submission:

Ambry Genetics
Classification: Uncertain significance. Last evaluated: 2021-11-21. Review status: criteria provided, single submitter. Criteria: Ambry Variant Classification Scheme 2023. Collection method: clinical testing. Allele origin: germline.
Comment: The p.L1825M variant (also known as c.5473T>A), located in coding exon 16 of the POLQ gene, results from a T to A substitution at nucleotide position 5473. The leucine at codon 1825 is replaced by methionine, an amino acid with highly similar properties. This amino acid position is conserved. In addition, this alteration is predicted to be tolerated by in silico analysis. Since supporting evidence is limited at this time, the clinical significance of this alteration remains unclear.